The following is an entry in ClinVar:

NM_004082.5(DCTN1):c.3172A>G (p.Thr1058Ala)

Gene: DCTN1 (dynactin subunit 1; minus strand). Cytogenetic location: 2p13.1.
Variant type: single nucleotide variant.
Coding change: c.3172A>G on transcript NM_004082.5 (MANE Select); coding-DNA position 3172, A replaced by G.
Protein change: p.Thr1058Ala; replaces threonine 1058 with alanine.
Molecular consequence: missense variant. On other transcripts: non-coding transcript variant (1).
Genome position (GRCh38, 1-based): chr2:74,365,099, T>C on the plus strand (A>G on the coding strand, the complement: DCTN1 is on the minus strand). VCF-style: chr2-74365099-T-C. GRCh37 (hg19) VCF-style: chr2-74592226-T-C.
Other names: c.3112A>G, p.Thr1038Ala (NM_001135040.3); c.2770A>G, p.Thr924Ala (NM_001135041.3, NM_023019.4); c.3061A>G, p.Thr1021Ala (NM_001190836.2); c.3151A>G, p.Thr1051Ala (NM_001190837.2); c.3121A>G, p.Thr1041Ala (NM_001378991.1); c.3103A>G, p.Thr1035Ala (NM_001378992.1); short protein forms T1021A, T1035A, T1038A, T1041A, T1051A, T1058A, T924A.
Identifiers: ClinVar variation 3350585 (VCV003350585.1).

ClinVar aggregate classification (germline): Uncertain significance (0 of 4 stars; one submission).

Conditions:
DCTN1-related disorder. Also called: DCTN1-related condition.

gnomAD v4.1: 3 of 1,613,950 alleles (0.00019%); highest among the groups gnomAD compares: Non-Finnish European, 0.00025%; no homozygotes.

Submission:

PreventionGenetics, part of Exact Sciences
Classification: Uncertain significance for DCTN1-related condition. Last evaluated: 2024-03-01. Review status: no assertion criteria provided. Collection method: clinical testing. Allele origin: germline.
Comment: The DCTN1 c.3172A>G variant is predicted to result in the amino acid substitution p.Thr1058Ala. To our knowledge, this variant has not been reported in the literature. This variant is reported in 0.00088% of alleles in individuals of European (Non-Finnish) descent in gnomAD. At this time, the clinical significance of this variant is uncertain due to the absence of conclusive functional and genetic evidence.